The following is an entry in ClinVar:

NM_007078.3(LDB3):c.1343del (p.Ser448fs)

Gene: LDB3 (LIM domain binding 3; plus strand). Cytogenetic location: 10q23.2.
Variant type: Deletion.
Coding change: c.1343del on transcript NM_007078.3 (MANE Select); coding-DNA position 1343, one base deleted (C; older notation c.1343delC).
Protein change: p.Ser448fs; shifts the reading frame from serine 448.
Molecular consequence: frameshift variant.
Genome position (GRCh38, 1-based): chr10:86,716,438, C deleted. VCF-style (leftmost placement, unchanged base first): chr10-86716437-TC-T. GRCh37 (hg19) VCF-style: chr10-88476194-TC-T.
Other names: c.1013del, p.Ser338fs (NM_001080114.2); c.1358del, p.Ser453fs (NM_001171610.2); c.1154del, p.Ser385fs (NM_001368064.1, NM_001368065.1); c.1202del, p.Ser401fs (NM_001368066.1); short protein forms S385fs, S401fs, S338fs, S448fs, S453fs.
Identifiers: ClinVar variation 2699041 (VCV002699041.3), dbSNP rs2492808478, ClinGen allele CA2574457086.

ClinVar aggregate classification (germline): Pathogenic (1 of 4 stars; one submission).

Conditions:
Myofibrillar myopathy 4. Also called: Zaspopathy (type). Identifiers: Orphanet 98912, MedGen C4721886, MONDO:0012277, OMIM 609452.

Submission:

Labcorp Genetics (formerly Invitae), Labcorp
Classification: Pathogenic for Myofibrillar myopathy 4. Last evaluated: 2023-12-02. Review status: criteria provided, single submitter. Criteria: Invitae Variant Classification Sherloc (09022015). Collection method: clinical testing. Allele origin: germline.
Comment: The LDB3 gene has multiple clinically relevant transcripts. This variant occurs in alternate transcript NM_007078.3, and corresponds to NM_001080116.1:c.*17064del in the primary transcript. This sequence change creates a premature translational stop signal (p.Ser448Tyrfs*44) in the LDB3 gene. It is expected to result in an absent or disrupted protein product. Loss-of-function variants in LDB3 are known to be pathogenic (PMID: 36253531). This variant is not present in population databases (gnomAD no frequency). This variant has not been reported in the literature in individuals affected with LDB3-related conditions. For these reasons, this variant has been classified as Pathogenic.

Literature cited by the submitters: PubMed 36253531.